The following is an entry in ClinVar:

NM_001105206.3(LAMA4):c.4194del (p.Leu1399fs)

Gene: LAMA4 (laminin subunit alpha 4; minus strand). Cytogenetic location: 6q21.
Variant type: Deletion.
Coding change: c.4194del on transcript NM_001105206.3 (MANE Select); coding-DNA position 4194, one base deleted (T; older notation c.4194delT).
Protein change: p.Leu1399fs; shifts the reading frame from leucine 1399.
Molecular consequence: frameshift variant.
Genome position (GRCh38, 1-based): chr6:112,129,015, A deleted on the plus strand (T on the coding strand, the reverse complement: LAMA4 is on the minus strand). VCF-style (leftmost placement, unchanged base first): chr6-112129014-GA-G. GRCh37 (hg19) VCF-style: chr6-112450216-GA-G.
Other names: c.4173del, p.Leu1392fs (NM_001105207.3, NM_002290.5); short protein forms L1392fs, L1399fs.
Identifiers: ClinVar variation 1738435 (VCV001738435.2), dbSNP rs2546992080, ClinGen allele CA2580074810.
Genomic context (GRCh38, chr6:112,129,014, plus strand): 5'-AATTTTTTCCTTTTTTATGGAGGAGAAACAATGGTGAAGACTCAATGGGACACTCATAAA[GA>G]GAAGTGTGGACCTTTTCAGTATACCGTTGGAAATCTTCAACCTCCACATCTCTATCCACC-3'

ClinVar aggregate classification (germline): Uncertain significance (1 of 4 stars; one submission).

Conditions:
Cardiovascular phenotype. Identifiers: MedGen CN230736.

Submission:

Ambry Genetics
Classification: Uncertain significance for Cardiovascular phenotype. Last evaluated: 2021-10-28. Review status: criteria provided, single submitter. Criteria: Ambry Variant Classification Scheme 2023. Collection method: clinical testing. Allele origin: germline.
Comment: The c.4173delT variant, located in coding exon 30 of the LAMA4 gene, results from a deletion of one nucleotide at nucleotide position 4173, causing a translational frameshift with a predicted alternate stop codon (p.L1392Ffs*46). This alteration is expected to result in premature protein truncation or nonsense-mediated mRNA decay. However, loss of function of LAMA4 has not been clearly established as a mechanism of disease. Since supporting evidence is limited at this time, the clinical significance of this alteration remains unclear.